The following is an entry in ClinVar:

ClinVar aggregate classification (germline): Pathogenic/Likely pathogenic. Review status: criteria provided, multiple submitters, no conflicts (2 of 4 stars). 8 submissions from 8 submitters: Pathogenic (2); Likely pathogenic (2). 4 of the submissions do not count toward it. Last evaluated 2021-10-02.

Conditions:
Tethered cord. Also called: Occult spinal dysraphism sequence; Tethered spinal cord syndrome. Identifiers: MedGen C0080218, MONDO:0006995, HP:0002144.
Genetic syndrome with a Dandy-Walker malformation as major feature.
PHACE syndrome. Also called: PHACES ASSOCIATION; Aortic aneurysm, giant congenital; PHACE ASSOCIATION. Identifiers: Orphanet 42775, MedGen C1847874, MONDO:0011676, OMIM 606519.
Inborn genetic diseases. Identifiers: MedGen C0950123, MeSH D030342.
Cardio-facio-cutaneous syndrome. Also called: Cardiofaciocutaneous syndrome; CFC syndrome. Identifiers: Orphanet 1340, MedGen C1275081, MONDO:0015280. Disease mechanism: gain of function.
Dandy-Walker syndrome (DWS). Identifiers: Orphanet 217, MedGen C0010964, MeSH D003616, MONDO:0009072, OMIM 220200.
Cardiofaciocutaneous syndrome 1 (CFC1). Also called: BRAF-Related Cardiofaciocutaneous Syndrome. Identifiers: Orphanet 1340, MedGen CN029449, MONDO:0007265, OMIM 115150. Disease mechanism: gain of function.

Submissions (8):

3billion
Classification: Pathogenic for Cardiofaciocutaneous syndrome 1. Last evaluated: 2021-10-02. Review status: criteria provided, single submitter. Criteria: ACMG Guidelines, 2015. Collection method: clinical testing. Allele origin: germline. Affected: yes. Observed: 1 heterozygote.
Comment: Same nucleotide change resulting in same amino acid change has been previously reported as de novoo in similarly affected individual (PMID:23875798, 17551924, PS2). The missense variant is located in a mutational hot spot and/or well-established functional domain in which established pathogenic variants have been reported (PM1). It is not observed in the gnomAD v2.1.1 dataset (PM2). The variant was observed as assumed (i.e. paternity and maternity not confirmed) de novoo (3billion dataset, PM6). In silico tool predictions suggest damaging effect of the variant on gene or gene product (REVEL: 0.942, 3Cnet: 0.998, PP3). Therefore, this variant is classified as pathogenic according to the recommendation of ACMG/AMP guideline.

Institute of Human Genetics Munich, TUM University Hospital
Classification: Pathogenic for Cardiofaciocutaneous syndrome 1. Last evaluated: 2017-09-08. Review status: criteria provided, single submitter. Criteria: Classification criteria August 2017. Collection method: clinical testing. Allele origin: germline. Inheritance: Autosomal dominant inheritance. Affected: yes. Observed: 1 heterozygote.

Ambry Genetics
Classification: Likely pathogenic for Inborn genetic diseases. Last evaluated: 2017-07-11. Review status: criteria provided, single submitter. Criteria: Ambry exome assertion method (8-5-2015). Collection method: clinical testing. Allele origin: germline. Affected: yes. Observed: 1 variant allele.

Laboratory for Molecular Medicine, Mass General Brigham Personalized Medicine
Classification: Likely pathogenic for Cardio-facio-cutaneous syndrome. Last evaluated: 2016-07-01. Review status: criteria provided, single submitter. Criteria: LMM Criteria. Collection method: clinical testing. Allele origin: germline. Observed: 1 variant allele.
Comment: The p.Gly534Arg variant in BRAF has been previously identified in one individual with clinical features of a RASopathy and occurred de novo (Rauen 2006, Gripp 2 007). It is absent from large population studies. Computational prediction too ls and conservation analysis suggest that this variant may impact the protein, t hough this information is not predictive enough to determine pathogenicity. In s ummary, although additional studies are required to fully establish its clinical significance, the p.Gly534Arg variant is likely pathogenic.

Dobyns Lab, Seattle Children's Research Institute
Classification: Pathogenic for PHACE syndrome; Genetic syndrome with a Dandy-Walker malformation as major feature; Tethered cord. Last evaluated: 2019-02-18. Review status: no assertion criteria provided. Collection method: research. Allele origin: germline. Affected: yes. Observed: 1 variant allele. Not counted in ClinVar's aggregate classification.

OMIM
Classification: Pathogenic for CARDIOFACIOCUTANEOUS SYNDROME 1. Last evaluated: 2006-08-01. Review status: no assertion criteria provided. Collection method: literature only. Allele origin: germline. Not counted in ClinVar's aggregate classification.

GeneReviews
No classification provided. Condition: Cardio-facio-cutaneous syndrome. Review status: no classification provided. Collection method: literature only. Allele origin: germline. Affected: yes. Not counted in ClinVar's aggregate classification.

University of Washington Center for Mendelian Genomics, University of Washington
Classification: Likely pathogenic for Dandy-Walker malformation. Review status: no assertion criteria provided. Collection method: research. Allele origin: de novo. Affected: yes. Not counted in ClinVar's aggregate classification.

Literature cited by the submitters: PubMed 23875798 (cited by 3billion and Ambry Genetics); PubMed 17551924 (cited by 3billion and Laboratory for Molecular Medicine, Mass General Brigham Personalized Medicine); PubMed 24283439 (cited by Ambry Genetics); PubMed 16804887 (cited by 3 submitters); PubMed 18413255 (cited by Ambry Genetics and Laboratory for Molecular Medicine, Mass General Brigham Personalized Medicine); PubMed 18039235 (cited by Ambry Genetics); PubMed 19206169 (cited by Ambry Genetics); PubMed 16825433 (cited by Ambry Genetics); PubMed 4386970 (cited by Ambry Genetics); PubMed 5771505 (cited by Ambry Genetics); PubMed 16523510 (cited by Ambry Genetics); PubMed 16372351 (cited by OMIM); NCBI Bookshelf NBK1186 (cited by GeneReviews); PubMed 31474318 (cited by University of Washington Center for Mendelian Genomics, University of Washington).

NM_004333.6(BRAF):c.1600G>C (p.Gly534Arg)

Gene: BRAF (B-Raf proto-oncogene, serine/threonine kinase; minus strand). Cytogenetic location: 7q34.
Variant type: single nucleotide variant.
Coding change: c.1600G>C on transcript NM_004333.6 (MANE Select); coding-DNA position 1600, G replaced by C.
Protein change: p.Gly534Arg; replaces glycine 534 with arginine.
Molecular consequence: missense variant.
Genome position (GRCh38, 1-based): chr7:140,777,006, C>G on the plus strand (G>C on the coding strand, the complement: BRAF is on the minus strand). VCF-style: chr7-140777006-C-G. GRCh37 (hg19) VCF-style: chr7-140476806-C-G.
Other names: c.1600G>C, p.Gly534Arg (NM_001354609.2, NM_001378468.1, NM_001378474.1); c.1720G>C, p.Gly574Arg (NM_001374244.1, NM_001374258.1); c.1609G>C, p.Gly537Arg (NM_001378467.1); c.1534G>C, p.Gly512Arg (NM_001378469.1); c.1498G>C, p.Gly500Arg (NM_001378470.1); c.1489G>C, p.Gly497Arg (NM_001378471.1); c.1444G>C, p.Gly482Arg (NM_001378472.1, NM_001378473.1); c.1336G>C, p.Gly446Arg (NM_001378475.1); short protein forms G534R, G446R, G500R, G512R, G537R, G574R, G482R, G497R.
Identifiers: ClinVar variation 13980 (VCV000013980.14), dbSNP rs180177041, ClinGen allele CA279978.
Genomic context (GRCh38, chr7:140,777,006, plus strand): 5'-TAAGTTTGATCATCTCAAATTTGGTCTCAATGATATGGAGATGGTGATACAAGCTGGAGC[C>G]CTCACACCACTGGGTAACAATAGCCAGTTGTGGCTTTGTGGAATAGCCCATGAAGAGTAG-3'
Protein context (NP_004324.2, residues 524-544): QLAIVTQWCE[Gly534Arg]SSLYHHLHII